The following is an entry in ClinVar:

NM_182961.4(SYNE1):c.23815C>T (p.His7939Tyr)

Gene: SYNE1 (spectrin repeat containing nuclear envelope protein 1; minus strand). Cytogenetic location: 6q25.2.
Variant type: single nucleotide variant.
Coding change: c.23815C>T on transcript NM_182961.4 (MANE Select); coding-DNA position 23815, C replaced by T.
Protein change: p.His7939Tyr; replaces histidine 7939 with tyrosine.
Molecular consequence: missense variant.
Genome position (GRCh38, 1-based): chr6:152,156,073, G>A on the plus strand (C>T on the coding strand, the complement: SYNE1 is on the minus strand). VCF-style: chr6-152156073-G-A. GRCh37 (hg19) VCF-style: chr6-152477208-G-A.
Other names: c.421C>T, p.His141Tyr (NM_001347701.2); c.280C>T, p.His94Tyr (NM_001347702.2); c.23602C>T, p.His7868Tyr (NM_033071.5); short protein forms H7868Y, H94Y, H7939Y, H141Y.
Identifiers: ClinVar variation 2047414 (VCV002047414.2), dbSNP rs765631862, ClinGen allele CA4053342.

ClinVar aggregate classification (germline): Uncertain significance (1 of 4 stars; one submission).

Conditions:
Emery-Dreifuss muscular dystrophy 4, autosomal dominant (EDMD4). Also called: EMERY-DREIFUSS MUSCULAR DYSTROPHY 4 WITH VARIABLE FEATURES. Identifiers: Orphanet 261, MedGen C2751807, MONDO:0013071, OMIM 612998.
Autosomal recessive ataxia, Beauce type. Also called: SYNE1 Deficiency; Spinocerebellar ataxia, autosomal recessive 8; ATAXIA, RECESSIVE, OF BEAUCE; SYNE1-Related Autosomal Recessive Cerebellar Ataxia. Identifiers: Orphanet 88644, MedGen C1853116, MONDO:0012549, OMIM 610743.

Allele frequency attached by ClinVar (database versions not stated): ExAC 0.00002; gnomAD exomes 0.00002; TOPMed 0.00002.
gnomAD v4.1: 24 of 1,614,198 alleles (0.0015%); highest among the groups gnomAD compares: Admixed American, 0.005%; no homozygotes.

Submission:

Labcorp Genetics (formerly Invitae), Labcorp
Classification: Uncertain significance for Emery-Dreifuss muscular dystrophy 4, autosomal dominant; Autosomal recessive ataxia, Beauce type. Last evaluated: 2022-09-27. Review status: criteria provided, single submitter. Criteria: Invitae Variant Classification Sherloc (09022015). Collection method: clinical testing. Allele origin: germline.
Comment: In summary, the available evidence is currently insufficient to determine the role of this variant in disease. Therefore, it has been classified as a Variant of Uncertain Significance. Algorithms developed to predict the effect of missense changes on protein structure and function are either unavailable or do not agree on the potential impact of this missense change (SIFT: "Deleterious"; PolyPhen-2: "Probably Damaging"; Align-GVGD: "Class C0"). This missense change has been observed in individual(s) with clinical features of spinocerebellar ataxia (Invitae). This variant is present in population databases (rs765631862, gnomAD 0.01%). This sequence change replaces histidine, which is basic and polar, with tyrosine, which is neutral and polar, at codon 7868 of the SYNE1 protein (p.His7868Tyr).